The following is an entry in ClinVar:

ClinVar aggregate classification (germline): Uncertain significance (1 of 4 stars; one submission).

Submission:

GeneDx
Classification: Uncertain significance. Last evaluated: 2026-04-09. Review status: criteria provided, single submitter. Criteria: GeneDx Variant Classification Process June 2021. Collection method: clinical testing. Allele origin: germline.
Comment: Not observed at significant frequency in large population cohorts (gnomAD); In silico analysis suggests that this missense variant does not alter protein structure/function; Has not been previously published as pathogenic or benign to our knowledge; This substitution is predicted to be within the C-terminal cytoplasmic domain

NM_001330260.2(SCN8A):c.5768A>G (p.Asn1923Ser)

Gene: SCN8A (sodium voltage-gated channel alpha subunit 8; plus strand). Cytogenetic location: 12q13.13.
Variant type: single nucleotide variant.
Coding change: c.5768A>G on transcript NM_001330260.2 (MANE Select); coding-DNA position 5768, A replaced by G.
Protein change: p.Asn1923Ser; replaces asparagine 1923 with serine.
Molecular consequence: missense variant.
Genome position (GRCh38, 1-based): chr12:51,807,254, A>G. VCF-style: chr12-51807254-A-G. GRCh37 (hg19) VCF-style: chr12-52201038-A-G.
Other names: c.5645A>G, p.Asn1882Ser (NM_001177984.3, NM_001369788.1); c.5768A>G, p.Asn1923Ser (NM_014191.4); short protein forms N1882S, N1923S.
Identifiers: ClinVar variation 5037017 (VCV005037017.1).